The following is an entry in ClinVar:

ClinVar aggregate classification (germline): Uncertain significance (1 of 4 stars; one submission).

Conditions:
Retinal disorder. Also called: Retinopathies; Retinal Diseases; Retinal disorders; Retinopathy. Identifiers: MedGen C0035309, MONDO:0005283, HP:0000488.

gnomAD v4.1: 27 of 1,526,764 alleles (0.0018%); highest among the groups gnomAD compares: Non-Finnish European, 0.0024%; no homozygotes.

Submission:

Genetics Laboratory, Great Ormond Street Hospital NHS Foundation Trust, North Thames Genomic Laboratory Hub
Classification: Uncertain significance for Retinal disorders. Last evaluated: 2025-09-23. Review status: criteria provided, single submitter. Criteria: ACGS Best Practice Guidelines for Variant Classification in Rare Disease 2024 v1.2. Collection method: clinical testing. Allele origin: germline. Affected: yes.
Comment: PM2_moderate, PP3_supporting, PS1_supporting

NM_025103.4(IFT74):c.974+4A>G

Gene: IFT74 (intraflagellar transport 74; plus strand). Cytogenetic location: 9p21.2.
Variant type: single nucleotide variant.
Coding change: c.974+4A>G on transcript NM_025103.4 (MANE Select); 4 bases into the intron after coding-DNA position 974, A replaced by G.
Molecular consequence: intron variant.
Genome position (GRCh38, 1-based): chr9:27,018,691, A>G. VCF-style: chr9-27018691-A-G. GRCh37 (hg19) VCF-style: chr9-27018689-A-G.
Other names: c.974+4A>G (NM_001099223.3, NM_001099222.3, NM_001349928.2 and 1 more transcripts).
Identifiers: ClinVar variation 4530624 (VCV004530624.1).